The following is an entry in ClinVar:

NM_000539.3(RHO):c.683T>C (p.Phe228Ser)

Gene: RHO (rhodopsin; plus strand). Cytogenetic location: 3q22.1.
Variant type: single nucleotide variant.
Coding change: c.683T>C on transcript NM_000539.3 (MANE Select); coding-DNA position 683, T replaced by C.
Protein change: p.Phe228Ser; replaces phenylalanine 228 with serine.
Molecular consequence: missense variant.
Genome position (GRCh38, 1-based): chr3:129,532,403, T>C. VCF-style: chr3-129532403-T-C. GRCh37 (hg19) VCF-style: chr3-129251246-T-C.
Other names: short protein forms F228S.
Identifiers: ClinVar variation 2796366 (VCV002796366.3), dbSNP rs1301777085, ClinGen allele CA354470083.

ClinVar aggregate classification (germline): Uncertain significance (1 of 4 stars; one submission).

Allele frequency attached by ClinVar (database versions not stated): TOPMed 0.00002.
gnomAD v4.1: 3 of 1,614,002 alleles (0.00019%); highest among the groups gnomAD compares: African/African-American, 0.004%; no homozygotes.

Submission:

Labcorp Genetics (formerly Invitae), Labcorp
Classification: Uncertain significance. Last evaluated: 2024-01-17. Review status: criteria provided, single submitter. Criteria: Invitae Variant Classification Sherloc (09022015). Collection method: clinical testing. Allele origin: germline.
Comment: This sequence change replaces phenylalanine, which is neutral and non-polar, with serine, which is neutral and polar, at codon 228 of the RHO protein (p.Phe228Ser). This variant is not present in population databases (gnomAD no frequency). This variant has not been reported in the literature in individuals affected with RHO-related conditions. Advanced modeling of protein sequence and biophysical properties (such as structural, functional, and spatial information, amino acid conservation, physicochemical variation, residue mobility, and thermodynamic stability) performed at Invitae indicates that this missense variant is not expected to disrupt RHO protein function with a negative predictive value of 80%. In summary, the available evidence is currently insufficient to determine the role of this variant in disease. Therefore, it has been classified as a Variant of Uncertain Significance.